The following is an entry in ClinVar:

ClinVar aggregate classification (germline): Uncertain significance (1 of 4 stars; one submission).

Allele frequency attached by ClinVar (database versions not stated): gnomAD exomes below 0.00001.
gnomAD v4.1: 5 of 1,508,726 alleles (0.00033%); highest among the groups gnomAD compares: Non-Finnish European, 0.00046%; no homozygotes.

Submissions (2):

Labcorp Genetics (formerly Invitae), Labcorp
Classification: Uncertain significance. Last evaluated: 2022-06-23. Review status: criteria provided, single submitter. Criteria: Invitae Variant Classification Sherloc (09022015). Collection method: clinical testing. Allele origin: germline.
Comment: In summary, the available evidence is currently insufficient to determine the role of this variant in disease. Therefore, it has been classified as a Variant of Uncertain Significance. Algorithms developed to predict the effect of sequence changes on RNA splicing suggest that this variant may disrupt the consensus splice site. This variant has not been reported in the literature in individuals affected with PEX3-related conditions. This variant is present in population databases (no rsID available, gnomAD 0.01%). This sequence change falls in intron 3 of the PEX3 gene. It does not directly change the encoded amino acid sequence of the PEX3 protein.

Dr. Peter K. Rogan Lab, Western University
No classification provided (evidence only). Condition: Uterine corpus endometrial carcinoma. Review status: no classification provided. Collection method: in vitro. Allele origin: not applicable. Functional consequence: skipped exon. Not counted in ClinVar's aggregate classification.

NM_003630.3(PEX3):c.288-6C>A

Gene: PEX3 (peroxisomal biogenesis factor 3; plus strand). Cytogenetic location: 6q24.2.
Variant type: single nucleotide variant.
Coding change: c.288-6C>A on transcript NM_003630.3 (MANE Select); 6 bases into the intron before coding-DNA position 288, C replaced by A.
Molecular consequence: intron variant.
Genome position (GRCh38, 1-based): chr6:143,468,116, C>A. VCF-style: chr6-143468116-C-A. GRCh37 (hg19) VCF-style: chr6-143789253-C-A.
Identifiers: ClinVar variation 2166398 (VCV002166398.5), dbSNP rs973425116, ClinGen allele CA149061596.